The following is an entry in ClinVar:

NM_001291303.3(FAT4):c.831G>A (p.Ala277=)

Gene: FAT4 (FAT atypical cadherin 4; plus strand). Cytogenetic location: 4q28.1.
Variant type: single nucleotide variant.
Coding change: c.831G>A on transcript NM_001291303.3 (MANE Select); coding-DNA position 831, G replaced by A.
Protein change: p.Ala277=; no amino-acid change (alanine 277 retained).
Molecular consequence: synonymous variant.
Genome position (GRCh38, 1-based): chr4:125,317,242, G>A. VCF-style: chr4-125317242-G-A. GRCh37 (hg19) VCF-style: chr4-126238397-G-A.
Other names: c.831G>A, p.Ala277= (NM_001291285.3, NM_024582.6).
Identifiers: ClinVar variation 516667 (VCV000516667.9), dbSNP rs142490028, ClinGen allele CA3071874.
Genomic context (GRCh38, chr4:125,317,242, plus strand): 5'-GGGGGTGCCTGAGGACGCGGTTGTGGGTTCCAGCGTCCTCCAGGTGGCGGCGGCGGACGC[G>A]GACGAGGGCACCAACGCGGACATCCGCTATCGCCTGCAGGACGAGGGGACCCCCTTCCAA-3'
Protein context (NP_001278232.1, residues 267-287): SSVLQVAAAD[Ala277=]DEGTNADIRY

ClinVar aggregate classification (germline): Benign. Review status: criteria provided, multiple submitters, no conflicts (2 of 4 stars). 3 submissions from 3 submitters: Benign (3). Last evaluated 2026-02-02.

Allele frequency attached by ClinVar (database versions not stated): ESP Exome Variant Server 0.00049; gnomAD 0.00175 and 0.00491; TOPMed 0.00302; gnomAD exomes 0.00631 and 0.01313; ExAC 0.01290; 1000 Genomes Project 30x 0.02764; 1000 Genomes Project 0.03015.
gnomAD v4.1: 9,848 of 1,578,720 alleles (0.62%); highest among the groups gnomAD compares: East Asian, 6.9%; 424 homozygotes.

Submissions (3):

Labcorp Genetics (formerly Invitae), Labcorp
Classification: Benign. Last evaluated: 2026-02-02. Review status: criteria provided, single submitter. Criteria: Invitae Variant Classification Sherloc (09022015). Collection method: clinical testing. Allele origin: germline.

GeneDx
Classification: Benign. Last evaluated: 2017-03-09. Review status: criteria provided, single submitter. Criteria: GeneDx Variant Classification (06012015). Collection method: clinical testing. Allele origin: germline. Affected: yes.
Comment: This variant is considered likely benign or benign based on one or more of the following criteria: it is a conservative change, it occurs at a poorly conserved position in the protein, it is predicted to be benign by multiple in silico algorithms, and/or has population frequency not consistent with disease.

Breakthrough Genomics
Classification: Benign. Review status: criteria provided, single submitter. Criteria: ACMG Guidelines, 2015. Collection method: not provided. Allele origin: germline. Inheritance: Autosomal recessive inheritance. Affected: yes.